The following is an entry in ClinVar:

ClinVar aggregate classification (germline): Uncertain significance. Review status: criteria provided, multiple submitters, no conflicts (2 of 4 stars). 2 submissions from 2 submitters: Uncertain significance (2). Last evaluated 2026-01-02.

Conditions:
Familial thoracic aortic aneurysm and aortic dissection (TAAD). Also called: Thoracic aortic aneurysms and dissections. Identifiers: Orphanet 91387, MedGen C4707243, MONDO:0019625.
Ehlers-Danlos syndrome, kyphoscoliotic type 1 (EDSKSCL1). Also called: PLOD1-Related Kyphoscoliotic Ehlers-Danlos Syndrome; Ehlers-Danlos syndrome, hydroxylysine-deficient; EHLERS-DANLOS SYNDROME, TYPE VIA; EHLERS-DANLOS SYNDROME, OCULAR-SCOLIOTIC TYPE. Identifiers: Orphanet 1900, MedGen C0268342, MONDO:0016002, OMIM 225400. Disease mechanism: loss of function.

Allele frequency attached by ClinVar (database versions not stated): gnomAD exomes below 0.00001; TOPMed 0.00001.
gnomAD v4.1: 3 of 1,613,454 alleles (0.00019%); highest among the groups gnomAD compares: Non-Finnish European, 0.00025%; no homozygotes.

Submissions (2):

Labcorp Genetics (formerly Invitae), Labcorp
Classification: Uncertain significance for Ehlers-Danlos syndrome, kyphoscoliotic type 1. Last evaluated: 2026-01-02. Review status: criteria provided, single submitter. Criteria: Invitae Variant Classification Sherloc (09022015). Collection method: clinical testing. Allele origin: germline.
Comment: This sequence change replaces glutamine, which is neutral and polar, with arginine, which is basic and polar, at codon 490 of the PLOD1 protein (p.Gln490Arg). This variant is not present in population databases (gnomAD no frequency). This variant has not been reported in the literature in individuals affected with PLOD1-related conditions. ClinVar contains an entry for this variant (Variation ID: 950263). Invitae Evidence Modeling of protein sequence and biophysical properties (such as structural, functional, and spatial information, amino acid conservation, physicochemical variation, residue mobility, and thermodynamic stability) indicates that this missense variant is not expected to disrupt PLOD1 protein function with a negative predictive value of 95%. Algorithms developed to predict the effect of sequence changes on RNA splicing suggest that this variant may disrupt the consensus splice site. In summary, the available evidence is currently insufficient to determine the role of this variant in disease. Therefore, it has been classified as a Variant of Uncertain Significance.

Ambry Genetics
Classification: Uncertain significance for Familial thoracic aortic aneurysm and aortic dissection. Last evaluated: 2023-12-02. Review status: criteria provided, single submitter. Criteria: Ambry Variant Classification Scheme 2023. Collection method: clinical testing. Allele origin: germline.
Comment: The p.Q490R variant (also known as c.1469A>G), located in coding exon 13 of the PLOD1 gene, results from an A to G substitution at nucleotide position 1469. The glutamine at codon 490 is replaced by arginine, an amino acid with highly similar properties. This amino acid position is conserved. In addition, this alteration is predicted to be tolerated by in silico analysis. Since supporting evidence is limited at this time, the clinical significance of this alteration remains unclear.

NM_000302.4(PLOD1):c.1469A>G (p.Gln490Arg)

Gene: PLOD1 (procollagen-lysine,2-oxoglutarate 5-dioxygenase 1; plus strand). Cytogenetic location: 1p36.22.
Variant type: single nucleotide variant.
Coding change: c.1469A>G on transcript NM_000302.4 (MANE Select); coding-DNA position 1469, A replaced by G.
Protein change: p.Gln490Arg; replaces glutamine 490 with arginine.
Molecular consequence: missense variant.
Genome position (GRCh38, 1-based): chr1:11,964,784, A>G. VCF-style: chr1-11964784-A-G. GRCh37 (hg19) VCF-style: chr1-12024841-A-G.
Other names: c.1610A>G, p.Gln537Arg (NM_001316320.2); short protein forms Q490R, Q537R.
Identifiers: ClinVar variation 950263 (VCV000950263.11), dbSNP rs1156431423, ClinGen allele CA338444101.